The following is an entry in ClinVar:

ClinVar aggregate classification (germline): Uncertain significance (1 of 4 stars; one submission).

Conditions:
Hereditary cancer-predisposing syndrome. Also called: Hereditary Cancer Syndrome; Neoplastic Syndromes, Hereditary; Tumor predisposition; Hereditary neoplastic syndrome. Identifiers: Orphanet 140162, MedGen C0027672, MeSH D009386, MONDO:0015356.

Submission:

Ambry Genetics
Classification: Uncertain significance for Hereditary cancer-predisposing syndrome. Last evaluated: 2026-09-12. Review status: criteria provided, single submitter. Criteria: Ambry Variant Classification Scheme 2023. Collection method: clinical testing. Allele origin: germline.
Comment: The p.L38V variant (also known as c.112C>G), located in coding exon 2 of the EGFR gene, results from a C to G substitution at nucleotide position 112. The leucine at codon 38 is replaced by valine, an amino acid with highly similar properties. This amino acid position is conserved. In addition, this alteration is predicted to be deleterious by in silico analysis. Based on the available evidence, the clinical significance of this variant remains unclear.

NM_005228.5(EGFR):c.112C>G (p.Leu38Val)

Gene: EGFR (epidermal growth factor receptor; plus strand). Cytogenetic location: 7p11.2.
Variant type: single nucleotide variant.
Coding change: c.112C>G on transcript NM_005228.5 (MANE Select); coding-DNA position 112, C replaced by G.
Protein change: p.Leu38Val; replaces leucine 38 with valine.
Molecular consequence: missense variant. On other transcripts: 5 prime UTR variant (1), intron variant (1).
Genome position (GRCh38, 1-based): chr7:55,142,309, C>G. VCF-style: chr7-55142309-C-G. GRCh37 (hg19) VCF-style: chr7-55210002-C-G.
Other names: c.112C>G, p.Leu38Val (NM_001346897.2, NM_001346898.2, NM_001346899.2 and 3 more transcripts); c.-48C>G (NM_001346900.2); c.89-13521C>G (NM_001346941.2); short protein forms L38V.
Identifiers: ClinVar variation 5035844 (VCV005035844.1).